The following is an entry in ClinVar:

NM_002206.3(ITGA7):c.1518G>T (p.Arg506Ser)

Gene: ITGA7 (integrin subunit alpha 7; minus strand). Cytogenetic location: 12q13.2.
Variant type: single nucleotide variant.
Coding change: c.1518G>T on transcript NM_002206.3 (MANE Select); coding-DNA position 1518, G replaced by T.
Protein change: p.Arg506Ser; replaces arginine 506 with serine.
Molecular consequence: missense variant.
Genome position (GRCh38, 1-based): chr12:55,697,265, C>A on the plus strand (G>T on the coding strand, the complement: ITGA7 is on the minus strand). VCF-style: chr12-55697265-C-A. GRCh37 (hg19) VCF-style: chr12-56091049-C-A.
Other names: c.1530G>T, p.Arg510Ser (NM_001144996.2, NM_001414029.1); c.1239G>T, p.Arg413Ser (NM_001144997.2); c.1191G>T, p.Arg397Ser (NM_001367993.1); c.174G>T, p.Arg58Ser (NM_001367994.1); c.1518G>T, p.Arg506Ser (NM_001374465.1, NM_001414034.1); c.1650G>T, p.Arg550Ser (NM_001410977.1); c.1443G>T, p.Arg481Ser (NM_001414030.1); c.1431G>T, p.Arg477Ser (NM_001414031.1); and 3 more; short protein forms R506S, R58S, R397S, R413S, R510S, R550S, R477S, R445S.
Identifiers: ClinVar variation 1427639 (VCV001427639.6), dbSNP rs1370186788, ClinGen allele CA385188896.

ClinVar aggregate classification (germline): Uncertain significance (1 of 4 stars; one submission).

Conditions:
Congenital muscular dystrophy due to integrin alpha-7 deficiency. Also called: MYOPATHY, CONGENITAL, DUE TO INTEGRIN ALPHA-7 DEFICIENCY; Congenital muscular dystrophy with integrin alpha-7 deficiency; Muscular dystrophy, congenital, due to ITGA7 deficiency. Identifiers: Orphanet 34520, MedGen C2750786, MONDO:0013177, OMIM 613204.

Allele frequency attached by ClinVar (database versions not stated): gnomAD exomes below 0.00001.
gnomAD v4.1: 1 of 1,596,032 alleles (0.000063%); highest among the groups gnomAD compares: Middle Eastern, 0.017%; no homozygotes.

Submission:

Labcorp Genetics (formerly Invitae), Labcorp
Classification: Uncertain significance for Congenital muscular dystrophy due to integrin alpha-7 deficiency. Last evaluated: 2023-12-11. Review status: criteria provided, single submitter. Criteria: Invitae Variant Classification Sherloc (09022015). Collection method: clinical testing. Allele origin: germline.
Comment: This sequence change replaces arginine, which is basic and polar, with serine, which is neutral and polar, at codon 506 of the ITGA7 protein (p.Arg506Ser). The frequency data for this variant in the population databases is considered unreliable, as metrics indicate poor data quality at this position in the gnomAD database. This variant has not been reported in the literature in individuals affected with ITGA7-related conditions. ClinVar contains an entry for this variant (Variation ID: 1427639). Advanced modeling of protein sequence and biophysical properties (such as structural, functional, and spatial information, amino acid conservation, physicochemical variation, residue mobility, and thermodynamic stability) performed at Invitae indicates that this missense variant is not expected to disrupt ITGA7 protein function with a negative predictive value of 80%. In summary, the available evidence is currently insufficient to determine the role of this variant in disease. Therefore, it has been classified as a Variant of Uncertain Significance.